The following is an entry in ClinVar:

NM_017757.3(ZNF407):c.3013G>C (p.Val1005Leu)

Genes: ZNF407 (zinc finger protein 407; plus strand), LOC126862798 (MED14-independent group 3 enhancer GRCh37_chr18:72345358-72346557; plus strand). Cytogenetic location: 18q22.3.
Variant type: single nucleotide variant.
Coding change: c.3013G>C on transcript NM_017757.3 (MANE Select); coding-DNA position 3013, G replaced by C.
Protein change: p.Val1005Leu; replaces valine 1005 with leucine.
Molecular consequence: missense variant.
Genome position (GRCh38, 1-based): chr18:74,634,032, G>C. VCF-style: chr18-74634032-G-C. GRCh37 (hg19) VCF-style: chr18-72345988-G-C.
Other names: c.3013G>C, p.Val1005Leu (NM_001146189.1, NM_001146190.1, NM_001384475.1); short protein forms V1005L.
Identifiers: ClinVar variation 723449 (VCV000723449.11), dbSNP rs372408823, ClinGen allele CA9000607.

ClinVar aggregate classification (germline): Likely benign. Review status: criteria provided, multiple submitters, no conflicts (2 of 4 stars). 5 submissions from 5 submitters: Likely benign (5). Last evaluated 2025-04-26.

Conditions:
ZNF407-related disorder. Also called: ZNF407-related condition.

Allele frequency attached by ClinVar (database versions not stated): gnomAD 0.00018 and 0.00029; ESP Exome Variant Server 0.00025; TOPMed 0.00029; gnomAD exomes 0.00051 and 0.00085; 1000 Genomes Project 30x 0.00062; 1000 Genomes Project 0.00080; ExAC 0.00084.
gnomAD v4.1: 801 of 1,614,052 alleles (0.05%); highest among the groups gnomAD compares: South Asian, 0.53%; 7 homozygotes.

Submissions (5):

PreventionGenetics, part of Exact Sciences
Classification: Likely benign for ZNF407-related condition. Last evaluated: 2025-04-26. Review status: criteria provided, single submitter. Criteria: ACMG Guidelines, 2015. Collection method: clinical testing. Allele origin: germline.
Comment: This variant is classified as likely benign based on ACMG/AMP sequence variant interpretation guidelines (Richards et al. 2015 PMID: 25741868, with internal and published modifications).

Blueprint Genetics
Classification: Likely benign. Last evaluated: 2024-10-11. Review status: criteria provided, single submitter. Criteria: ACMG Guidelines, 2015. Collection method: clinical testing. Allele origin: germline.

Labcorp Genetics (formerly Invitae), Labcorp
Classification: Likely benign. Last evaluated: 2019-12-31. Review status: criteria provided, single submitter. Criteria: Invitae Variant Classification Sherloc (09022015). Collection method: clinical testing. Allele origin: germline.

Genetic Services Laboratory, University of Chicago
Classification: Likely benign. Last evaluated: 2018-06-04. Review status: criteria provided, single submitter. Criteria: ACMG Guidelines, 2015. Collection method: clinical testing. Allele origin: germline. Affected: no.

Breakthrough Genomics
Classification: Likely benign. Review status: criteria provided, single submitter. Criteria: ACMG Guidelines, 2015. Collection method: not provided. Allele origin: germline. Inheritance: Autosomal recessive inheritance. Affected: yes.